The following is an entry in ClinVar:

ClinVar aggregate classification (germline): Uncertain significance (1 of 4 stars; one submission).

Allele frequency attached by ClinVar (database versions not stated): gnomAD exomes below 0.00001.
gnomAD v4.1: 1 of 1,614,134 alleles (0.000062%); highest among the groups gnomAD compares: Non-Finnish European, 0.000085%; no homozygotes.

Submission:

Labcorp Genetics (formerly Invitae), Labcorp
Classification: Uncertain significance. Last evaluated: 2023-01-01. Review status: criteria provided, single submitter. Criteria: Invitae Variant Classification Sherloc (09022015). Collection method: clinical testing. Allele origin: germline.
Comment: In summary, the available evidence is currently insufficient to determine the role of this variant in disease. Therefore, it has been classified as a Variant of Uncertain Significance. Algorithms developed to predict the effect of missense changes on protein structure and function (SIFT, PolyPhen-2, Align-GVGD) all suggest that this variant is likely to be disruptive. This variant has not been reported in the literature in individuals affected with ACVR1-related conditions. This variant is not present in population databases (gnomAD no frequency). This sequence change replaces valine, which is neutral and non-polar, with alanine, which is neutral and non-polar, at codon 435 of the ACVR1 protein (p.Val435Ala).

NM_001111067.4(ACVR1):c.1304T>C (p.Val435Ala)

Gene: ACVR1 (activin A receptor type 1; minus strand). Cytogenetic location: 2q24.1.
Variant type: single nucleotide variant.
Coding change: c.1304T>C on transcript NM_001111067.4 (MANE Select); coding-DNA position 1304, T replaced by C.
Protein change: p.Val435Ala; replaces valine 435 with alanine.
Molecular consequence: missense variant.
Genome position (GRCh38, 1-based): chr2:157,738,531, A>G on the plus strand (T>C on the coding strand, the complement: ACVR1 is on the minus strand). VCF-style: chr2-157738531-A-G. GRCh37 (hg19) VCF-style: chr2-158595043-A-G.
Other names: c.1304T>C, p.Val435Ala (NM_001105.5, NM_001347663.1, NM_001347664.1 and 3 more transcripts); short protein forms V435A.
Identifiers: ClinVar variation 2778531 (VCV002778531.3), dbSNP rs2467866983, ClinGen allele CA349188183.